The following is an entry in ClinVar:

ClinVar aggregate classification (germline): Benign (1 of 4 stars; one submission).

Submission:

CeGaT Center for Human Genetics Tuebingen
Classification: Benign. Last evaluated: 2022-06-01. Review status: criteria provided, single submitter. Criteria: CeGaT Center For Human Genetics Tuebingen Variant Classification Criteria Version 2. Collection method: clinical testing. Allele origin: germline. Affected: yes. Observed: 1 variant allele.
Comment: DENND2B: BS1, BS2

NM_213618.2(DENND2B):c.-25-25462_-25-25461insGGGTGTGTGTGTGT

Genes: DENND2B (DENN domain containing 2B; minus strand), DENND2B-AS1 (DENND2B antisense RNA 1; plus strand). Cytogenetic location: 11p15.4.
Variant type: Microsatellite.
Coding change: c.-25-25462_-25-25461insGGGTGTGTGTGTGT on transcript NM_213618.2 (MANE Select); 25462 bases into the intron before 25 bases upstream of the start codon through 25461 bases into the intron before 25 bases upstream of the start codon, GGGTGTGTGTGTGT inserted.
Molecular consequence: intron variant.
Genome position: GRCh38 VCF-style: chr11-8776186-A-ACACACACACACACC. GRCh37 (hg19) VCF-style: chr11-8797733-A-ACACACACACACACC.
Other names: c.-25-25462_-25-25461insGGGTGTGTGTGTGT (NM_001376496.1, NM_139157.3, NM_001376495.1 and 6 more transcripts); c.-108+34330_-108+34331insGGGTGTGTGTGTGT (NM_001376505.1); c.-245+34330_-245+34331insGGGTGTGTGTGTGT (NM_001376506.1); c.-461+34330_-461+34331insGGGTGTGTGTGTGT (NM_001376499.1); c.-204-25462_-204-25461insGGGTGTGTGTGTGT (NM_001376500.1); c.-26+18500_-26+18501insGGGTGTGTGTGTGT (NM_001376502.1).
Identifiers: ClinVar variation 2641587 (VCV002641587.24), dbSNP rs761084725.
Genomic context (GRCh38, chr11:8,776,186, plus strand): 5'-ACACAGACACGCACGTGCGCGCACGCGCGCGCGCGCACACACACACACACACACACACAC[A>ACACACACACACACC]CCTACCTCTCTCCAGGCAGGACACCTTCTGCTCCAAACATGTCCACGTGTCCATTTCTGC-3'